The following is an entry in ClinVar:

NM_003378.4(VGF):c.1485T>G (p.Arg495=)

Gene: VGF (VGF nerve growth factor inducible; minus strand). Cytogenetic location: 7q22.1.
Variant type: single nucleotide variant.
Coding change: c.1485T>G on transcript NM_003378.4 (MANE Select); coding-DNA position 1485, T replaced by G.
Protein change: p.Arg495=; no amino-acid change (arginine 495 retained).
Molecular consequence: synonymous variant.
Genome position (GRCh38, 1-based): chr7:101,163,359, A>C on the plus strand (T>G on the coding strand, the complement: VGF is on the minus strand). VCF-style: chr7-101163359-A-C. GRCh37 (hg19) VCF-style: chr7-100806640-A-C.
Identifiers: ClinVar variation 3388790 (VCV003388790.14).

ClinVar aggregate classification (germline): Likely benign (1 of 4 stars; one submission).

Submission:

CeGaT Center for Human Genetics Tuebingen
Classification: Likely benign. Last evaluated: 2024-11-01. Review status: criteria provided, single submitter. Criteria: CeGaT Center For Human Genetics Tuebingen Variant Classification Criteria Version 2. Collection method: clinical testing. Allele origin: germline. Affected: yes. Observed: 1 variant allele.
Comment: VGF: BP4, BP7